The following is an entry in ClinVar:

NM_005228.5(EGFR):c.1652A>T (p.Glu551Val)

Gene: EGFR (epidermal growth factor receptor; plus strand). Cytogenetic location: 7p11.2.
Variant type: single nucleotide variant.
Coding change: c.1652A>T on transcript NM_005228.5 (MANE Select); coding-DNA position 1652, A replaced by T.
Protein change: p.Glu551Val; replaces glutamic acid 551 with valine.
Molecular consequence: missense variant.
Genome position (GRCh38, 1-based): chr7:55,163,753, A>T. VCF-style: chr7-55163753-A-T. GRCh37 (hg19) VCF-style: chr7-55231446-A-T.
Other names: c.1517A>T, p.Glu506Val (NM_001346897.2, NM_001346899.2); c.1652A>T, p.Glu551Val (NM_001346898.2, NM_201282.2, NM_201284.2); c.1493A>T, p.Glu498Val (NM_001346900.2); c.851A>T, p.Glu284Val (NM_001346941.2); short protein forms E498V, E551V, E284V, E506V.
Identifiers: ClinVar variation 2186750 (VCV002186750.5), dbSNP rs940873450, ClinGen allele CA158923939.

ClinVar aggregate classification (germline): Uncertain significance. Review status: criteria provided, multiple submitters, no conflicts (2 of 4 stars). 2 submissions from 2 submitters: Uncertain significance (2). Last evaluated 2025-01-08.

Conditions:
EGFR-related lung cancer (EGFR). Identifiers: MedGen CN130014.
Hereditary cancer-predisposing syndrome. Also called: Hereditary Cancer Syndrome; Tumor predisposition; Hereditary neoplastic syndrome; Neoplastic Syndromes, Hereditary. Identifiers: Orphanet 140162, MedGen C0027672, MeSH D009386, MONDO:0015356.

Allele frequency attached by ClinVar (database versions not stated): TOPMed below 0.00001.

Submissions (2):

Ambry Genetics
Classification: Uncertain significance for Hereditary cancer-predisposing syndrome. Last evaluated: 2025-01-08. Review status: criteria provided, single submitter. Criteria: Ambry Variant Classification Scheme 2023. Collection method: clinical testing. Allele origin: germline.
Comment: The p.E551V variant (also known as c.1652A>T), located in coding exon 14 of the EGFR gene, results from an A to T substitution at nucleotide position 1652. The glutamic acid at codon 551 is replaced by valine, an amino acid with dissimilar properties. This amino acid position is conserved. In addition, this alteration is predicted to be tolerated by in silico analysis. Based on the available evidence, the clinical significance of this variant remains unclear.

Labcorp Genetics (formerly Invitae), Labcorp
Classification: Uncertain significance for EGFR-related lung cancer. Last evaluated: 2024-11-12. Review status: criteria provided, single submitter. Criteria: Invitae Variant Classification Sherloc (09022015). Collection method: clinical testing. Allele origin: germline.
Comment: This sequence change replaces glutamic acid, which is acidic and polar, with valine, which is neutral and non-polar, at codon 551 of the EGFR protein (p.Glu551Val). This variant is not present in population databases (gnomAD no frequency). This variant has not been reported in the literature in individuals affected with EGFR-related conditions. ClinVar contains an entry for this variant (Variation ID: 2186750). Invitae Evidence Modeling of protein sequence and biophysical properties (such as structural, functional, and spatial information, amino acid conservation, physicochemical variation, residue mobility, and thermodynamic stability) indicates that this missense variant is not expected to disrupt EGFR protein function with a negative predictive value of 80%. In summary, the available evidence is currently insufficient to determine the role of this variant in disease. Therefore, it has been classified as a Variant of Uncertain Significance.